The following is an entry in ClinVar:

ClinVar aggregate classification (germline): Uncertain significance. Review status: criteria provided, multiple submitters, no conflicts (2 of 4 stars). 2 submissions from 2 submitters: Uncertain significance (2). Last evaluated 2026-04-04.

Conditions:
Familial cancer of breast. Also called: hereditary breast carcinoma; BREAST CANCER, FAMILIAL; Hereditary breast cancer. Identifiers: Orphanet 227535, MedGen C0346153, MONDO:0016419, OMIM 114480. Disease mechanism: loss of function.
Hereditary cancer-predisposing syndrome. Also called: Hereditary Cancer Syndrome; Hereditary neoplastic syndrome; Neoplastic Syndromes, Hereditary; Tumor predisposition. Identifiers: Orphanet 140162, MedGen C0027672, MeSH D009386, MONDO:0015356.

Submissions (2):

Ambry Genetics
Classification: Uncertain significance for Hereditary cancer-predisposing syndrome. Last evaluated: 2026-04-04. Review status: criteria provided, single submitter. Criteria: Ambry Variant Classification Scheme 2023. Collection method: clinical testing. Allele origin: germline.
Comment: The p.T733S variant (also known as c.2198C>G), located in coding exon 5 of the PALB2 gene, results from a C to G substitution at nucleotide position 2198. The threonine at codon 733 is replaced by serine, an amino acid with similar properties. This amino acid position is conserved. In addition, this alteration is predicted to be tolerated by in silico analysis. Based on the available evidence, the clinical significance of this variant remains unclear.

Labcorp Genetics (formerly Invitae), Labcorp
Classification: Uncertain significance for Familial cancer of breast. Last evaluated: 2025-10-13. Review status: criteria provided, single submitter. Criteria: Invitae Variant Classification Sherloc (09022015). Collection method: clinical testing. Allele origin: germline.
Comment: This sequence change replaces threonine, which is neutral and polar, with serine, which is neutral and polar, at codon 733 of the PALB2 protein (p.Thr733Ser). This variant is not present in population databases (gnomAD no frequency). This variant has not been reported in the literature in individuals affected with PALB2-related conditions. ClinVar contains an entry for this variant (Variation ID: 3708473). Invitae Evidence Modeling of protein sequence and biophysical properties (such as structural, functional, and spatial information, amino acid conservation, physicochemical variation, residue mobility, and thermodynamic stability) indicates that this missense variant is not expected to disrupt PALB2 protein function with a negative predictive value of 80%. In summary, the available evidence is currently insufficient to determine the role of this variant in disease. Therefore, it has been classified as a Variant of Uncertain Significance.

NM_024675.4(PALB2):c.2198C>G (p.Thr733Ser)

Gene: PALB2 (partner and localizer of BRCA2; minus strand). Cytogenetic location: 16p12.2.
Variant type: single nucleotide variant.
Coding change: c.2198C>G on transcript NM_024675.4 (MANE Select); coding-DNA position 2198, C replaced by G.
Protein change: p.Thr733Ser; replaces threonine 733 with serine.
Molecular consequence: missense variant. On other transcripts: intron variant (1).
Genome position (GRCh38, 1-based): chr16:23,629,956, G>C on the plus strand (C>G on the coding strand, the complement: PALB2 is on the minus strand). VCF-style: chr16-23629956-G-C. GRCh37 (hg19) VCF-style: chr16-23641277-G-C.
Other names: c.1313C>G, p.Thr438Ser (NM_001407304.1, NM_001407305.1, NM_001407306.1 and 5 more transcripts); c.410C>G, p.Thr137Ser (NM_001407312.1, NM_001407313.1); c.49-681C>G (NM_001407314.1); c.2138C>G, p.Thr713Ser (NM_001407296.1); c.2198C>G, p.Thr733Ser (NM_001407297.1, NM_001407298.1, NM_001407299.1 and 3 more transcripts); short protein forms T438S, T713S, T137S, T733S.
Identifiers: ClinVar variation 3708473 (VCV003708473.3).